The following is an entry in ClinVar:

NM_014363.6(SACS):c.4847del (p.Asn1616fs)

Gene: SACS (sacsin molecular chaperone; minus strand). Cytogenetic location: 13q12.12.
Variant type: Deletion.
Coding change: c.4847del on transcript NM_014363.6 (MANE Select); coding-DNA position 4847, one base deleted (A; older notation c.4847delA).
Protein change: p.Asn1616fs; shifts the reading frame from asparagine 1616.
Molecular consequence: frameshift variant.
Genome position (GRCh38, 1-based): chr13:23,339,029, T deleted on the plus strand (A on the coding strand, the reverse complement: SACS is on the minus strand); the first of 2 consecutive T bases (chr13:23,339,029-23,339,030); deleting either gives the same sequence. VCF-style (leftmost placement, unchanged base first): chr13-23339028-AT-A. GRCh37 (hg19) VCF-style: chr13-23913167-AT-A.
Other names: c.4406del, p.Asn1469fs (NM_001278055.2); c.4847del (NM_014363.5); short protein forms N1469fs, N1616fs.
Identifiers: ClinVar variation 3240423 (VCV003240423.3), dbSNP rs2542275698.

ClinVar aggregate classification (germline): Likely pathogenic. Review status: criteria provided, multiple submitters, no conflicts (2 of 4 stars). 2 submissions from 2 submitters: Likely pathogenic (2). Last evaluated 2025-01-09.

Conditions:
Charlevoix-Saguenay spastic ataxia (SACS). Also called: Spastic ataxia of Charlevoix-Saguenay; SPASTIC ATAXIA 6, AUTOSOMAL RECESSIVE; AUTOSOMAL RECESSIVE SPASTIC ATAXIA OF CHARLEVOIX-SAGUENAY. Identifiers: Orphanet 98, MedGen C1849140, MONDO:0010041, OMIM 270550.

Submissions (2):

Natera, Inc.
Classification: Likely pathogenic for Charlevoix-Saguenay type spastic ataxia. Last evaluated: 2025-01-09. Review status: criteria provided, single submitter. Criteria: Natera Variant Classification Schema (03/2026). Collection method: clinical testing. Allele origin: germline.
Comment: The c.4847del variant in SACS is a frameshift variant predicted to shift the reading frame beginning at codon 1616 and leads to a stop codon 7 codons downstream. This variant is expected to result in nonsense mediated decay, truncation, or a dysfunctional protein product. This variant is rare in the general population with a frequency below the threshold expected for the associated phenotype(s). Given the available evidence, this variant is classified as Likely Pathogenic.

Baylor Genetics
Classification: Likely pathogenic for Charlevoix-Saguenay spastic ataxia. Last evaluated: 2023-11-29. Review status: criteria provided, single submitter. Criteria: ACMG Guidelines, 2015. Collection method: clinical testing. Allele origin: unknown.